The following is an entry in ClinVar:

NM_000478.6(ALPL):c.220A>G (p.Lys74Glu)

Gene: ALPL (alkaline phosphatase, biomineralization associated; plus strand). Cytogenetic location: 1p36.12.
Variant type: single nucleotide variant.
Coding change: c.220A>G on transcript NM_000478.6 (MANE Select); coding-DNA position 220, A replaced by G.
Protein change: p.Lys74Glu; replaces lysine 74 with glutamic acid.
Molecular consequence: missense variant. On other transcripts: intron variant (1).
Genome position (GRCh38, 1-based): chr1:21,561,135, A>G. VCF-style: chr1-21561135-A-G. GRCh37 (hg19) VCF-style: chr1-21887628-A-G.
Other names: c.55A>G, p.Lys19Glu (NM_001127501.4); c.220A>G, p.Lys74Glu (NM_001369803.2, NM_001369804.2, NM_001369805.2); c.66+390A>G (NM_001177520.3); short protein forms K74E, K19E.
Identifiers: ClinVar variation 4769308 (VCV004769308.1).

ClinVar aggregate classification (germline): Uncertain significance (1 of 4 stars; one submission).

Submission:

Labcorp Genetics (formerly Invitae), Labcorp
Classification: Uncertain significance. Last evaluated: 2025-07-27. Review status: criteria provided, single submitter. Criteria: Invitae Variant Classification Sherloc (09022015). Collection method: clinical testing. Allele origin: germline.
Comment: This sequence change replaces lysine, which is basic and polar, with glutamic acid, which is acidic and polar, at codon 74 of the ALPL protein (p.Lys74Glu). This variant is not present in population databases (gnomAD no frequency). This variant has not been reported in the literature in individuals affected with ALPL-related conditions. Invitae Evidence Modeling of protein sequence and biophysical properties (such as structural, functional, and spatial information, amino acid conservation, physicochemical variation, residue mobility, and thermodynamic stability) indicates that this missense variant is expected to disrupt ALPL protein function with a positive predictive value of 95%. In summary, the available evidence is currently insufficient to determine the role of this variant in disease. Therefore, it has been classified as a Variant of Uncertain Significance.